The following is an entry in ClinVar:

ClinVar aggregate classification (germline): Pathogenic (1 of 4 stars; one submission).

Submission:

GeneDx
Classification: Pathogenic. Last evaluated: 2026-01-06. Review status: criteria provided, single submitter. Criteria: GeneDx Variant Classification Process June 2021. Collection method: clinical testing. Allele origin: germline.
Comment: Not observed at significant frequency in large population cohorts (gnomAD); In silico analysis supports that this missense variant has a deleterious effect on protein structure/function; This variant is associated with the following publications: (PMID: 33994118)

NM_012281.3(KCND2):c.1108A>G (p.Thr370Ala)

Gene: KCND2 (potassium voltage-gated channel subfamily D member 2; plus strand). Cytogenetic location: 7q31.31.
Variant type: single nucleotide variant.
Coding change: c.1108A>G on transcript NM_012281.3 (MANE Select); coding-DNA position 1108, A replaced by G.
Protein change: p.Thr370Ala; replaces threonine 370 with alanine.
Molecular consequence: missense variant.
Genome position (GRCh38, 1-based): chr7:120,275,740, A>G. VCF-style: chr7-120275740-A-G. GRCh37 (hg19) VCF-style: chr7-119915794-A-G.
Other names: short protein forms T370A.
Identifiers: ClinVar variation 2662997 (VCV002662997.2), dbSNP rs2546907763, ClinGen allele CA369133106.